The following is an entry in ClinVar:

ClinVar aggregate classification (germline): Benign (0 of 4 stars; one submission).

Conditions:
HERC2-related disorder. Also called: HERC2-related condition.

Allele frequency attached by ClinVar (database versions not stated): ExAC 0.02924.

Submission:

PreventionGenetics, part of Exact Sciences
Classification: Benign for HERC2-related condition. Last evaluated: 2020-03-16. Review status: no assertion criteria provided. Collection method: clinical testing. Allele origin: germline.
Comment: This variant is classified as benign based on ACMG/AMP sequence variant interpretation guidelines (Richards et al. 2015 PMID: 25741868, with internal and published modifications).

NM_004667.6(HERC2):c.801-3C>G

Gene: HERC2 (HECT and RLD domain containing E3 ubiquitin protein ligase 2; minus strand). Cytogenetic location: 15q13.1.
Variant type: single nucleotide variant.
Coding change: c.801-3C>G on transcript NM_004667.6 (MANE Select); 3 bases into the intron before coding-DNA position 801, C replaced by G.
Molecular consequence: intron variant.
Genome position (GRCh38, 1-based): chr15:28,273,007, G>C on the plus strand (C>G on the coding strand, the complement: HERC2 is on the minus strand). VCF-style: chr15-28273007-G-C. GRCh37 (hg19) VCF-style: chr15-28518153-G-C.
Identifiers: ClinVar variation 3056226 (VCV003056226.2), dbSNP rs756913592, ClinGen allele CA267948602.